The following is an entry in ClinVar:

ClinVar aggregate classification (germline): Conflicting classifications of pathogenicity. Review status: criteria provided, conflicting classifications (1 of 4 stars). 2 submissions from 2 submitters: Uncertain significance (1); Benign (1). Last evaluated 2025-11-22.

Conditions:
Primary ciliary dyskinesia. Also called: Ciliary dyskinesia. Identifiers: Orphanet 244, MedGen C0008780, MONDO:0016575, HP:0012265.

Allele frequency attached by ClinVar (database versions not stated): ExAC 0.00003; gnomAD exomes 0.00004 and 0.00006; gnomAD 0.00009; TOPMed 0.00015.
gnomAD v4.1: 69 of 1,613,794 alleles (0.0043%); highest among the groups gnomAD compares: Admixed American, 0.025%; no homozygotes.

Submissions (2):

Labcorp Genetics (formerly Invitae), Labcorp
Classification: Benign for Primary ciliary dyskinesia. Last evaluated: 2025-11-22. Review status: criteria provided, single submitter. Criteria: Invitae Variant Classification Sherloc (09022015). Collection method: clinical testing. Allele origin: germline.

Ambry Genetics
Classification: Uncertain significance for Primary ciliary dyskinesia. Last evaluated: 2020-05-26. Review status: criteria provided, single submitter. Criteria: Ambry Variant Classification Scheme 2023. Collection method: clinical testing. Allele origin: germline.
Comment: The p.K3374R variant (also known as c.10121A>G), located in coding exon 62 of the DNAH11 gene, results from an A to G substitution at nucleotide position 10121. The lysine at codon 3374 is replaced by arginine, an amino acid with highly similar properties. This amino acid position is not well conserved in available vertebrate species, and arginine is the reference amino acid in other vertebrate species. In addition, this alteration is predicted to be tolerated by in silico analysis. Since supporting evidence is limited at this time, the clinical significance of this alteration remains unclear.

NM_001277115.2(DNAH11):c.10121A>G (p.Lys3374Arg)

Gene: DNAH11 (dynein axonemal heavy chain 11; plus strand). Cytogenetic location: 7p15.3.
Variant type: single nucleotide variant.
Coding change: c.10121A>G on transcript NM_001277115.2 (MANE Select); coding-DNA position 10121, A replaced by G.
Protein change: p.Lys3374Arg; replaces lysine 3374 with arginine.
Molecular consequence: missense variant.
Genome position (GRCh38, 1-based): chr7:21,801,231, A>G. VCF-style: chr7-21801231-A-G. GRCh37 (hg19) VCF-style: chr7-21840849-A-G.
Other names: short protein forms K3374R.
Identifiers: ClinVar variation 359671 (VCV000359671.17), dbSNP rs763155183, ClinGen allele CA4182236.
Genomic context (GRCh38, chr7:21,801,231, plus strand): 5'-CATTTGAAAAAGCAACAGCTGAGAAAGTCCGGTGTCAAGAAGAGGTGAACCAAACCAACA[A>G]AACCATCAAATTAGCTAACAGACTTGTCAAGGAACTTGAGGCAAGTTAAACCTTTTCTTC-3'
Protein context (NP_001264044.1, residues 3364-3384): RCQEEVNQTN[Lys3374Arg]TIKLANRLVK